The following is an entry in ClinVar:

ClinVar aggregate classification (germline): Uncertain significance (0 of 4 stars; one submission).

Conditions:
TRPC5-related disorder. Also called: TRPC5-related condition.

Submission:

PreventionGenetics, part of Exact Sciences
Classification: Uncertain significance for TRPC5-related condition. Last evaluated: 2024-03-19. Review status: no assertion criteria provided. Collection method: clinical testing. Allele origin: germline.
Comment: The TRPC5 c.1997G>A variant is predicted to result in the amino acid substitution p.Ser666Asn. To our knowledge, this variant has not been reported in the literature or in a large population database, indicating this variant is rare. At this time, the clinical significance of this variant is uncertain due to the absence of conclusive functional and genetic evidence.

NM_012471.3(TRPC5):c.1997G>A (p.Ser666Asn)

Gene: TRPC5 (transient receptor potential cation channel subfamily C member 5; minus strand). Cytogenetic location: Xq23.
Variant type: single nucleotide variant.
Coding change: c.1997G>A on transcript NM_012471.3 (MANE Select); coding-DNA position 1997, G replaced by A.
Protein change: p.Ser666Asn; replaces serine 666 with asparagine.
Molecular consequence: missense variant.
Genome position (GRCh38, 1-based): chrX:111,782,038, C>T on the plus strand (G>A on the coding strand, the complement: TRPC5 is on the minus strand). VCF-style: chrX-111782038-C-T. GRCh37 (hg19) VCF-style: chrX-111025266-C-T.
Other names: short protein forms S666N.
Identifiers: ClinVar variation 3349275 (VCV003349275.1).